The following is an entry in ClinVar:

NM_005502.4(ABCA1):c.3535G>A (p.Asp1179Asn)

Gene: ABCA1 (ATP binding cassette subfamily A member 1; minus strand). Cytogenetic location: 9q31.1.
Variant type: single nucleotide variant.
Coding change: c.3535G>A on transcript NM_005502.4 (MANE Select); coding-DNA position 3535, G replaced by A.
Protein change: p.Asp1179Asn; replaces aspartic acid 1179 with asparagine.
Molecular consequence: missense variant.
Genome position (GRCh38, 1-based): chr9:104,817,332, C>T on the plus strand (G>A on the coding strand, the complement: ABCA1 is on the minus strand). VCF-style: chr9-104817332-C-T. GRCh37 (hg19) VCF-style: chr9-107579613-C-T.
Other names: short protein forms D1179N.
Identifiers: ClinVar variation 2113756 (VCV002113756.4), dbSNP rs2538131102, ClinGen allele CA374318351.
Genomic context (GRCh38, chr9:104,817,332, plus strand): 5'-ACTCTGCCCAGCTGGGGGAAGCTCAGGCACCACCTGAATAAGAAACCCCAGAGTCCTTAC[C>T]GATGGTCAGCGTGTCACTCTCATGGTCGCTGCCCAGGCCAGCATCAGAACTGCTCTGAGA-3'
Protein context (NP_005493.2, residues 1169-1189): SDHESDTLTI[Asp1179Asn]VSAISNLIRK

ClinVar aggregate classification (germline): Uncertain significance (1 of 4 stars; one submission).

Allele frequency attached by ClinVar (database versions not stated): gnomAD exomes below 0.00001.
gnomAD v4.1: 1 of 1,614,124 alleles (0.000062%); highest among the groups gnomAD compares: Non-Finnish European, 0.000085%; no homozygotes.

Submission:

Labcorp Genetics (formerly Invitae), Labcorp
Classification: Uncertain significance. Last evaluated: 2022-05-31. Review status: criteria provided, single submitter. Criteria: Invitae Variant Classification Sherloc (09022015). Collection method: clinical testing. Allele origin: germline.
Comment: In summary, the available evidence is currently insufficient to determine the role of this variant in disease. Therefore, it has been classified as a Variant of Uncertain Significance. Variants that disrupt the consensus splice site are a relatively common cause of aberrant splicing (PMID: 17576681, 9536098). Algorithms developed to predict the effect of sequence changes on RNA splicing suggest that this variant may disrupt the consensus splice site. Algorithms developed to predict the effect of missense changes on protein structure and function are either unavailable or do not agree on the potential impact of this missense change (SIFT: "Deleterious"; PolyPhen-2: "Benign"; Align-GVGD: "Class C0"). This variant has not been reported in the literature in individuals affected with ABCA1-related conditions. This variant is not present in population databases (gnomAD no frequency). This sequence change replaces aspartic acid, which is acidic and polar, with asparagine, which is neutral and polar, at codon 1179 of the ABCA1 protein (p.Asp1179Asn). This variant also falls at the last nucleotide of exon 24, which is part of the consensus splice site for this exon.

Literature cited by the submitters: PubMed 17576681; PubMed 9536098.